The following is an entry in ClinVar:

ClinVar aggregate classification (germline): Uncertain significance. Review status: criteria provided, multiple submitters, no conflicts (2 of 4 stars). 4 submissions from 4 submitters: Uncertain significance (3). 1 of the submissions does not count toward it. Last evaluated 2023-09-27.

Conditions:
Alport syndrome. Also called: Hemorrhagic familial nephritis; Hemorrhagic hereditary nephritis; Congenital hereditary hematuria. Identifiers: Orphanet 63, MedGen C1567741, MONDO:0018965.
Autosomal recessive Alport syndrome (ATS2). Also called: COL4A4 Alport Syndrome and Thin Basement Membrane Nephropathy; ALPORT SYNDROME 2, AUTOSOMAL RECESSIVE; Alport syndrome type 2; COL4A3-Related Nephropathy. Identifiers: Orphanet 63, Orphanet 88919, MedGen C4746745, MONDO:0008762, OMIM 203780.
Benign familial hematuria. Also called: thin basement membrane disease. Identifiers: MedGen C0241908, MONDO:0957317.

Allele frequency attached by ClinVar (database versions not stated): gnomAD exomes 0.00001.
gnomAD v4.1: 4 of 1,614,118 alleles (0.00025%); highest among the groups gnomAD compares: South Asian, 0.0044%; no homozygotes.

Submissions (4):

GeneDx
Classification: Uncertain significance. Last evaluated: 2023-09-27. Review status: criteria provided, single submitter. Criteria: GeneDx Variant Classification Process June 2021. Collection method: clinical testing. Allele origin: germline. Affected: yes.
Comment: Not observed at significant frequency in large population cohorts (gnomAD); In silico analysis supports that this missense variant does not alter protein structure/function; Occurs in the triple helical domain at the X position in the canonical Gly-X-Y repeat; although this variant may have an effect on normal protein folding and function, missense substitution at the X position is not a common mechanism of disease; Has not been previously published as pathogenic or benign to our knowledge

Fulgent Genetics
Classification: Uncertain significance for Hematuria, benign familial, 1; Autosomal recessive Alport syndrome. Last evaluated: 2021-12-02. Review status: criteria provided, single submitter. Criteria: ACMG Guidelines, 2015. Collection method: clinical testing. Allele origin: unknown.

Labcorp Genetics (formerly Invitae), Labcorp
Classification: Uncertain significance. Last evaluated: 2021-09-02. Review status: criteria provided, single submitter. Criteria: Invitae Variant Classification Sherloc (09022015). Collection method: clinical testing. Allele origin: germline.
Comment: This sequence change replaces asparagine with lysine at codon 488 of the COL4A4 protein (p.Asn488Lys). The asparagine residue is moderately conserved and there is a moderate physicochemical difference between asparagine and lysine. This variant is not present in population databases (ExAC no frequency). This variant has not been reported in the literature in individuals affected with COL4A4-related conditions. Advanced modeling of protein sequence and biophysical properties (such as structural, functional, and spatial information, amino acid conservation, physicochemical variation, residue mobility, and thermodynamic stability) performed at Invitae indicates that this missense variant is not expected to disrupt COL4A4 protein function. In summary, the available evidence is currently insufficient to determine the role of this variant in disease. Therefore, it has been classified as a Variant of Uncertain Significance.

Natera, Inc.
Classification: Uncertain significance for Alport syndrome. Last evaluated: 2020-02-26. Review status: no assertion criteria provided. Collection method: clinical testing. Allele origin: germline. Not counted in ClinVar's aggregate classification.

NM_000092.5(COL4A4):c.1464T>G (p.Asn488Lys)

Gene: COL4A4 (collagen type IV alpha 4 chain; minus strand). Cytogenetic location: 2q36.3.
Variant type: single nucleotide variant.
Coding change: c.1464T>G on transcript NM_000092.5 (MANE Select); coding-DNA position 1464, T replaced by G.
Protein change: p.Asn488Lys; replaces asparagine 488 with lysine.
Molecular consequence: missense variant.
Genome position (GRCh38, 1-based): chr2:227,088,812, A>C on the plus strand (T>G on the coding strand, the complement: COL4A4 is on the minus strand). VCF-style: chr2-227088812-A-C. GRCh37 (hg19) VCF-style: chr2-227953528-A-C.
Other names: c.1464T>G (NM_000092.4); short protein forms N488K.
Identifiers: ClinVar variation 1018038 (VCV001018038.9), dbSNP rs2059739807, ClinGen allele CA350850103.
Genomic context (GRCh38, chr2:227,088,812, plus strand): 5'-AGGAAGTCCTGGAGGGCCAGGGGGGCCCATGGGTCCAGGCTCACAGGCACAGAGTCCTTC[A>C]TTTCCTAGACAGAGGATCAATGGCAGATTTGTCATATTTCCTGAATAAAATCCCCAATAA-3'
Protein context (NP_000083.3, residues 478-498): GGRGPKGEKG[Asn488Lys]EGLCACEPGP